The following is an entry in ClinVar:

ClinVar aggregate classification (germline): Pathogenic (1 of 4 stars; one submission).

Conditions:
Hypertrophic cardiomyopathy. Also called: HYPERTROPHIC MYOCARDIOPATHY. Identifiers: Orphanet 217569, MedGen C0007194, MeSH D002312, MONDO:0005045, HP:0001639.

Submission:

Labcorp Genetics (formerly Invitae), Labcorp
Classification: Pathogenic for Hypertrophic cardiomyopathy. Last evaluated: 2023-08-30. Review status: criteria provided, single submitter. Criteria: Invitae Variant Classification Sherloc (09022015). Collection method: clinical testing. Allele origin: germline.
Comment: Algorithms developed to predict the effect of sequence changes on RNA splicing suggest that this variant may disrupt the consensus splice site. For these reasons, this variant has been classified as Pathogenic. This variant has not been reported in the literature in individuals affected with MYBPC3-related conditions. This variant is not present in population databases (gnomAD no frequency). This sequence change creates a premature translational stop signal (p.Glu258*) in the MYBPC3 gene. It is expected to result in an absent or disrupted protein product. Loss-of-function variants in MYBPC3 are known to be pathogenic (PMID: 19574547).

Literature cited by the submitters: PubMed 19574547.

NM_000256.3(MYBPC3):c.772G>T (p.Glu258Ter)

Gene: MYBPC3 (myosin binding protein C3; minus strand). Cytogenetic location: 11p11.2.
Variant type: single nucleotide variant.
Coding change: c.772G>T on transcript NM_000256.3 (MANE Select); coding-DNA position 772, G replaced by T.
Protein change: p.Glu258Ter; replaces glutamic acid 258 with a stop codon.
Molecular consequence: nonsense.
Genome position (GRCh38, 1-based): chr11:47,348,424, C>A on the plus strand (G>T on the coding strand, the complement: MYBPC3 is on the minus strand). VCF-style: chr11-47348424-C-A. GRCh37 (hg19) VCF-style: chr11-47369975-C-A.
Other names: short protein forms E258*.
Identifiers: ClinVar variation 3020531 (VCV003020531.3), dbSNP rs397516074, ClinGen allele CA380334182.